The following is an entry in ClinVar:

NM_000263.4(NAGLU):c.387C>G (p.Tyr129Ter)

Gene: NAGLU (N-acetyl-alpha-glucosaminidase; plus strand). Cytogenetic location: 17q21.2.
Variant type: single nucleotide variant.
Coding change: c.387C>G on transcript NM_000263.4 (MANE Select); coding-DNA position 387, C replaced by G.
Protein change: p.Tyr129Ter; replaces tyrosine 129 with a stop codon.
Molecular consequence: nonsense.
Genome position (GRCh38, 1-based): chr17:42,537,401, C>G. VCF-style: chr17-42537401-C-G. GRCh37 (hg19) VCF-style: chr17-40689419-C-G.
Other names: short protein forms Y129*.
Identifiers: ClinVar variation 1405883 (VCV001405883.6), dbSNP rs1453761645, ClinGen allele CA399597902.

ClinVar aggregate classification (germline): Pathogenic (1 of 4 stars; one submission).

Conditions:
Charcot-Marie-Tooth disease axonal type 2V. Also called: CHARCOT-MARIE-TOOTH NEUROPATHY, TYPE 2V; CHARCOT-MARIE-TOOTH DISEASE, AXONAL, AUTOSOMAL DOMINANT, TYPE 2V. Identifiers: Orphanet 447964, MedGen C5569050, MONDO:0014665, OMIM 616491.
Mucopolysaccharidosis, MPS-III-B (MPS3B). Also called: MPS IIIB (Sanfilippo Syndrome Type B); N-ACETYL-ALPHA-D-GLUCOSAMINIDASE DEFICIENCY; NAGLU DEFICIENCY; MUCOPOLYSACCHARIDOSIS, TYPE IIIB; Mucopolysaccharidosis type IIIB (Sanfilippo B); SANFILIPPO SYNDROME B. Identifiers: Orphanet 79270, MedGen C0086648, MONDO:0009656, OMIM 252920.

Submission:

Labcorp Genetics (formerly Invitae), Labcorp
Classification: Pathogenic for Charcot-Marie-Tooth disease axonal type 2V; Mucopolysaccharidosis, MPS-III-B. Last evaluated: 2021-01-17. Review status: criteria provided, single submitter. Criteria: Invitae Variant Classification Sherloc (09022015). Collection method: clinical testing. Allele origin: germline.
Comment: This sequence change creates a premature translational stop signal (p.Tyr129*) in the NAGLU gene. It is expected to result in an absent or disrupted protein product. Loss-of-function variants in NAGLU are known to be pathogenic (PMID: 9832037, 10094189, 16151907). This variant is not present in population databases (ExAC no frequency). This variant has not been reported in the literature in individuals with NAGLU-related conditions. For these reasons, this variant has been classified as Pathogenic.

Literature cited by the submitters: PubMed 9832037; PubMed 10094189; PubMed 16151907.